The following is an entry in ClinVar:

NM_001399.5(EDA):c.986T>C (p.Phe329Ser)

Gene: EDA (ectodysplasin A; plus strand). Cytogenetic location: Xq13.1.
Variant type: single nucleotide variant.
Coding change: c.986T>C on transcript NM_001399.5 (MANE Select); coding-DNA position 986, T replaced by C.
Protein change: p.Phe329Ser; replaces phenylalanine 329 with serine.
Molecular consequence: missense variant.
Genome position (GRCh38, 1-based): chrX:70,035,419, T>C. VCF-style: chrX-70035419-T-C. GRCh37 (hg19) VCF-style: chrX-69255269-T-C.
Other names: c.980T>C, p.Phe327Ser (NM_001005609.2); c.971T>C, p.Phe324Ser (NM_001005612.3); short protein forms F329S, F324S, F327S.
Identifiers: ClinVar variation 582324 (VCV000582324.10), dbSNP rs1569407150, ClinGen allele CA413449661.
Genomic context (GRCh38, chrX:70,035,419, plus strand): 5'-TATACTACATCAACTTCACTGACTTTGCCAGCTATGAGGTGGTGGTGGATGAGAAGCCCT[T>C]CCTGCAGTGCACACGCAGCATCGAGACGGGCAAGACCAACTACAACACTTGCTATACCGC-3'
Protein context (NP_001390.1, residues 319-339): SYEVVVDEKP[Phe329Ser]LQCTRSIETG

ClinVar aggregate classification (germline): Pathogenic (1 of 4 stars; one submission).

Conditions:
Hypohidrotic X-linked ectodermal dysplasia (XHED). Also called: Ectodermal Dysplasia 1, Anhidrotic; ECTODERMAL DYSPLASIA 1, HYPOHIDROTIC, X-LINKED; ECTODERMAL DYSPLASIA 1, HYPOHIDROTIC/HAIR/TOOTH TYPE, X-LINKED; Anhidrotic ectodermal dysplasia X-linked; Christ Siemens Touraine syndrome; ECTODERMAL DYSPLASIA, HYPOHIDROTIC, 1. Identifiers: Orphanet 181, Orphanet 238468, MedGen C0162359, MONDO:0010585, OMIM 305100.

Submission:

Labcorp Genetics (formerly Invitae), Labcorp
Classification: Pathogenic for Hypohidrotic X-linked ectodermal dysplasia. Last evaluated: 2024-07-23. Review status: criteria provided, single submitter. Criteria: Invitae Variant Classification Sherloc (09022015). Collection method: clinical testing. Allele origin: germline.
Comment: This sequence change replaces phenylalanine, which is neutral and non-polar, with serine, which is neutral and polar, at codon 329 of the EDA protein (p.Phe329Ser). This variant is not present in population databases (gnomAD no frequency). This missense change has been observed in individual(s) with clinical features of ectodermal dysplasia (Invitae). It has also been observed to segregate with disease in related individuals. ClinVar contains an entry for this variant (Variation ID: 582324). Advanced modeling of protein sequence and biophysical properties (such as structural, functional, and spatial information, amino acid conservation, physicochemical variation, residue mobility, and thermodynamic stability) performed at Invitae indicates that this missense variant is expected to disrupt EDA protein function with a positive predictive value of 95%. For these reasons, this variant has been classified as Pathogenic.